The following is an entry in ClinVar:

NM_004370.6(COL12A1):c.1043A>T (p.Lys348Ile)

Gene: COL12A1 (collagen type XII alpha 1 chain; minus strand). Cytogenetic location: 6q13.
Variant type: single nucleotide variant.
Coding change: c.1043A>T on transcript NM_004370.6 (MANE Select); coding-DNA position 1043, A replaced by T.
Protein change: p.Lys348Ile; replaces lysine 348 with isoleucine.
Molecular consequence: missense variant. On other transcripts: intron variant (2).
Genome position (GRCh38, 1-based): chr6:75,184,099, T>A on the plus strand (A>T on the coding strand, the complement: COL12A1 is on the minus strand). VCF-style: chr6-75184099-T-A. GRCh37 (hg19) VCF-style: chr6-75893815-T-A.
Other names: c.1043A>T, p.Lys348Ile (NM_001424113.1, NM_001424114.1, NM_001424115.1); c.73+18621A>T (NM_001424116.1, NM_080645.3); short protein forms K348I.
Identifiers: ClinVar variation 2926406 (VCV002926406.3), dbSNP rs1769481432, ClinGen allele CA364774109.

ClinVar aggregate classification (germline): Uncertain significance (1 of 4 stars; one submission).

Conditions:
Ullrich congenital muscular dystrophy 2 (UCMD2). Identifiers: Orphanet 75840, MedGen C4225314, MONDO:0014654, OMIM 616470.
Bethlem myopathy 2 (BTHLM2). Identifiers: Orphanet 536516, Orphanet 610, MedGen C4225313, MONDO:0034022, OMIM 616471.

Allele frequency attached by ClinVar (database versions not stated): gnomAD 0.00001.
gnomAD v4.1: 1 of 1,614,026 alleles (0.000062%); highest among the groups gnomAD compares: Non-Finnish European, 0.000085%; no homozygotes.

Submission:

Labcorp Genetics (formerly Invitae), Labcorp
Classification: Uncertain significance for Bethlem myopathy 2; Ullrich congenital muscular dystrophy 2. Last evaluated: 2023-05-30. Review status: criteria provided, single submitter. Criteria: Invitae Variant Classification Sherloc (09022015). Collection method: clinical testing. Allele origin: germline.
Comment: This variant has not been reported in the literature in individuals affected with COL12A1-related conditions. In summary, the available evidence is currently insufficient to determine the role of this variant in disease. Therefore, it has been classified as a Variant of Uncertain Significance. Advanced modeling of protein sequence and biophysical properties (such as structural, functional, and spatial information, amino acid conservation, physicochemical variation, residue mobility, and thermodynamic stability) has been performed at Invitae for this missense variant, however the output from this modeling did not meet the statistical confidence thresholds required to predict the impact of this variant on COL12A1 protein function. This variant is not present in population databases (gnomAD no frequency). This sequence change replaces lysine, which is basic and polar, with isoleucine, which is neutral and non-polar, at codon 348 of the COL12A1 protein (p.Lys348Ile).